The following is an entry in ClinVar:

ClinVar aggregate classification (germline): Conflicting classifications of pathogenicity. Review status: criteria provided, conflicting classifications (1 of 4 stars). 7 submissions from 7 submitters: Uncertain significance (1); Benign (2); Likely benign (3). 1 of the submissions does not count toward it. Last evaluated 2025-12-03.

Conditions:
CACNA1C-related disorder. Also called: CACNA1C-related condition; CACNA1C-related disorders. Identifiers: MedGen CN381092, MONDO:0700321.
Cardiovascular phenotype. Identifiers: MedGen CN230736.
Long QT syndrome (LQTS). Identifiers: MedGen C0023976, MeSH D008133, MONDO:0002442. Disease mechanism: loss of function. Inheritance: Various modes of inheritance.

Allele frequency attached by ClinVar (database versions not stated): gnomAD 0.00002; TOPMed 0.00002; gnomAD exomes 0.00009 and 0.00017; 1000 Genomes Project 0.00040; ExAC 0.00041; 1000 Genomes Project 30x 0.00047.
gnomAD v4.1: 135 of 1,574,242 alleles (0.0086%); highest among the groups gnomAD compares: South Asian, 0.15%; 1 homozygote.

Submissions (7):

Labcorp Genetics (formerly Invitae), Labcorp
Classification: Benign for Long QT syndrome. Last evaluated: 2025-12-03. Review status: criteria provided, single submitter. Criteria: Invitae Variant Classification Sherloc (09022015). Collection method: clinical testing. Allele origin: germline.

Women's Health and Genetics/Laboratory Corporation of America, LabCorp
Classification: Benign. Last evaluated: 2025-07-28. Review status: criteria provided, single submitter. Criteria: LabCorp Variant Classification Summary - May 2015. Collection method: clinical testing. Allele origin: germline.

CeGaT Center for Human Genetics Tuebingen
Classification: Likely benign. Last evaluated: 2025-03-01. Review status: criteria provided, single submitter. Criteria: CeGaT Center For Human Genetics Tuebingen Variant Classification Criteria Version 2. Collection method: clinical testing. Allele origin: germline. Affected: yes. Observed: 1 variant allele.
Comment: CACNA1C: BP4, BP7

Ambry Genetics
Classification: Likely benign for Cardiovascular phenotype. Last evaluated: 2023-11-08. Review status: criteria provided, single submitter. Criteria: Ambry Variant Classification Scheme 2023. Collection method: clinical testing. Allele origin: germline.

Blueprint Genetics
Classification: Likely benign. Last evaluated: 2023-06-12. Review status: criteria provided, single submitter. Criteria: ACMG Guidelines, 2015. Collection method: clinical testing. Allele origin: germline.

Eurofins Ntd Llc (ga)
Classification: Uncertain significance. Last evaluated: 2014-01-16. Review status: criteria provided, single submitter. Criteria: EGL Classification Definitions 2015. Collection method: clinical testing. Allele origin: germline. Observed: 2 variant alleles, 2 heterozygotes.

PreventionGenetics, part of Exact Sciences
Classification: Likely benign for CACNA1C-related condition. Last evaluated: 2020-11-30. Review status: no assertion criteria provided. Collection method: clinical testing. Allele origin: germline. Not counted in ClinVar's aggregate classification.
Comment: This variant is classified as likely benign based on ACMG/AMP sequence variant interpretation guidelines (Richards et al. 2015 PMID: 25741868, with internal and published modifications).

NM_000719.7(CACNA1C):c.5106G>A (p.Leu1702=)

Genes: CACNA1C-AS1 (CACNA1C antisense RNA 1; minus strand), CACNA1C (calcium voltage-gated channel subunit alpha1 C; plus strand). Cytogenetic location: 12p13.33.
Variant type: single nucleotide variant.
Coding change: c.5106G>A on transcript NM_000719.7 (MANE Select); coding-DNA position 5106, G replaced by A.
Protein change: p.Leu1702=; no amino-acid change (leucine 1702 retained).
Molecular consequence: synonymous variant.
Genome position (GRCh38, 1-based): chr12:2,679,458, G>A. VCF-style: chr12-2679458-G-A. GRCh37 (hg19) VCF-style: chr12-2788624-G-A.
Other names: c.5250G>A, p.Leu1750= (NM_001129827.2, NM_199460.4); c.5229G>A, p.Leu1743= (NM_001129829.2); c.5106G>A, p.Leu1702= (NM_001129830.3, NM_001129840.2, NM_001129841.2 and 4 more transcripts); c.5190G>A, p.Leu1730= (NM_001129831.2); c.5166G>A, p.Leu1722= (NM_001129832.2); c.5163G>A, p.Leu1721= (NM_001129833.2, NM_001129834.2, NM_001129835.2); c.5157G>A, p.Leu1719= (NM_001129836.2); c.5130G>A, p.Leu1710= (NM_001129837.2, NM_001129838.2); and 3 more.
Identifiers: ClinVar variation 166774 (VCV000166774.28), dbSNP rs541967618, ClinGen allele CA233607.
Genomic context (GRCh38, chr12:2,679,458, plus strand): 5'-TGGGTGCTAAGGGGCTTCTCCACCCACCCCTCCTTCTTGCCTACAGAGGGCCGGTGGCCT[G>A]TTCGGCAACCACGTCAGCTACTACCAAAGCGACGGCCGGAGCGCCTTCCCCCAGACCTTC-3'
Protein context (NP_000710.5, residues 1692-1712): EDDIFRRAGG[Leu1702=]FGNHVSYYQS